The following is an entry in ClinVar:

NM_001360.3(DHCR7):c.1409T>A (p.Leu470Gln)

Gene: DHCR7 (7-dehydrocholesterol reductase; minus strand). Cytogenetic location: 11q13.4.
Variant type: single nucleotide variant.
Coding change: c.1409T>A on transcript NM_001360.3 (MANE Select); coding-DNA position 1409, T replaced by A.
Protein change: p.Leu470Gln; replaces leucine 470 with glutamine.
Molecular consequence: missense variant.
Genome position (GRCh38, 1-based): chr11:71,435,394, A>T on the plus strand (T>A on the coding strand, the complement: DHCR7 is on the minus strand). VCF-style: chr11-71435394-A-T. GRCh37 (hg19) VCF-style: chr11-71146440-A-T.
Other names: c.1409T>A, p.Leu470Gln (NM_001163817.2); short protein forms L470Q.
Identifiers: ClinVar variation 520690 (VCV000520690.12), dbSNP rs1331331095, ClinGen allele CA381700454.

ClinVar aggregate classification (germline): Pathogenic/Likely pathogenic. Review status: criteria provided, multiple submitters, no conflicts (2 of 4 stars). 5 submissions from 5 submitters: Pathogenic (1); Likely pathogenic (4). Last evaluated 2026-03-11.

Conditions:
Inborn genetic diseases. Identifiers: MedGen C0950123, MeSH D030342.
Smith-Lemli-Opitz syndrome (SLOS). Also called: 7-Dehydrocholesterol reductase deficiency; LETHAL ACRODYSGENITAL SYNDROME; POLYDACTYLY, SEX REVERSAL, RENAL HYPOPLASIA, AND UNILOBAR LUNG; RSH SYNDROME; RUTLEDGE LETHAL MULTIPLE CONGENITAL ANOMALY SYNDROME. Identifiers: Orphanet 818, MedGen C0175694, MONDO:0010035, OMIM 270400.

Allele frequency attached by ClinVar (database versions not stated): gnomAD 0.00001.
gnomAD v4.1: 1 of 1,612,334 alleles (0.000062%); highest among the groups gnomAD compares: Admixed American, 0.0017%; no homozygotes.

Submissions (5):

Women's Health and Genetics/Laboratory Corporation of America, LabCorp
Classification: Likely pathogenic for Smith-Lemli-Opitz syndrome. Last evaluated: 2026-03-11. Review status: criteria provided, single submitter. Criteria: LabCorp Variant Classification Summary - May 2015. Collection method: clinical testing. Allele origin: germline.
Comment: Variant summary: DHCR7 c.1409T>A (p.Leu470Gln) results in a non-conservative amino acid change in the encoded protein sequence. Algorithms developed to predict the effect of missense changes on protein structure and function all suggest that this variant is likely to be disruptive. The variant was absent in 246440 control chromosomes. c.1409T>A has been observed in the presumed compound heterozygous state in multiple individual(s) affected with Smith-Lemli-Opitz Syndrome (example, Ginat_2004, Roullet_2012, Ren_2011). These data indicate that the variant may be associated with disease. At least one publication reports experimental evidence evaluating an impact on protein function, suggesting that these compound heterozygous patients had low enzyme activity, however the impact of the present variant alone cannot be determine (example, Ginat_2004). The following publications have been ascertained in the context of this evaluation (PMID: 21724437, 15464432, 22391996, 25734025, 25405082, 23042628, 16207203, 27401223, 16983147). ClinVar contains an entry for this variant (Variation ID: 520690). Based on the evidence outlined above, the variant was classified as likely pathogenic.

Natera, Inc.
Classification: Likely pathogenic for Smith-Lemli-Opitz syndrome. Last evaluated: 2025-11-17. Review status: criteria provided, single submitter. Criteria: Natera Variant Classification Schema (03/2026). Collection method: clinical testing. Allele origin: germline.
Comment: The c.1409T>A variant in DHCR7 is a missense variant predicted to cause substitution of leucine to glutamine at amino acid 470. This variant is rare in the general population with a frequency below the threshold expected for the associated phenotype(s). This variant has been observed in one or more individuals affected with the associated recessive disease, as either homozygous or compound heterozygous with a second variant (PMID: 15464432). Additionally, this variant has been observed to segregate in affected family members (PMID: 15464432). Computational prediction algorithms indicate this variant is likely to affect gene or protein function. Given the available evidence, this variant is classified as Likely Pathogenic.

Labcorp Genetics (formerly Invitae), Labcorp
Classification: Likely pathogenic for Smith-Lemli-Opitz syndrome. Last evaluated: 2022-10-04. Review status: criteria provided, single submitter. Criteria: Invitae Variant Classification Sherloc (09022015). Collection method: clinical testing. Allele origin: germline.
Comment: This sequence change replaces leucine, which is neutral and non-polar, with glutamine, which is neutral and polar, at codon 470 of the DHCR7 protein (p.Leu470Gln). This variant is present in population databases (no rsID available, gnomAD 0.1%). This missense change has been observed in individuals with Smith-Lemli-Opitz syndrome (PMID: 15464432, 22391996). ClinVar contains an entry for this variant (Variation ID: 520690). Advanced modeling of protein sequence and biophysical properties (such as structural, functional, and spatial information, amino acid conservation, physicochemical variation, residue mobility, and thermodynamic stability) performed at Invitae indicates that this missense variant is expected to disrupt DHCR7 protein function. Algorithms developed to predict the effect of sequence changes on RNA splicing suggest that this variant may create or strengthen a splice site. In summary, the currently available evidence indicates that the variant is pathogenic, but additional data are needed to prove that conclusively. Therefore, this variant has been classified as Likely Pathogenic.

Fulgent Genetics
Classification: Likely pathogenic for Smith-Lemli-Opitz syndrome. Last evaluated: 2022-04-14. Review status: criteria provided, single submitter. Criteria: ACMG Guidelines, 2015. Collection method: clinical testing. Allele origin: unknown.

Ambry Genetics
Classification: Pathogenic for Inborn genetic diseases. Last evaluated: 2015-05-14. Review status: criteria provided, single submitter. Criteria: Ambry exome assertion method (8-5-2015). Collection method: clinical testing. Allele origin: germline. Affected: yes. Observed: 1 variant allele.

Literature cited by the submitters: PubMed 23042628 (cited by Women's Health and Genetics/Laboratory Corporation of America, LabCorp); PubMed 22391996 (cited by Women's Health and Genetics/Laboratory Corporation of America, LabCorp and Labcorp Genetics (formerly Invitae), Labcorp); PubMed 27401223 (cited by Women's Health and Genetics/Laboratory Corporation of America, LabCorp); PubMed 15464432 (cited by 3 submitters); PubMed 16983147 (cited by Women's Health and Genetics/Laboratory Corporation of America, LabCorp); PubMed 16207203 (cited by Women's Health and Genetics/Laboratory Corporation of America, LabCorp); PubMed 25734025 (cited by Women's Health and Genetics/Laboratory Corporation of America, LabCorp); PubMed 25405082 (cited by Women's Health and Genetics/Laboratory Corporation of America, LabCorp); PubMed 21724437 (cited by Women's Health and Genetics/Laboratory Corporation of America, LabCorp).